The following is an entry in ClinVar:

ClinVar aggregate classification (germline): Uncertain significance (1 of 4 stars; one submission).

Conditions:
Autosomal recessive severe congenital neutropenia due to JAGN1 deficiency. Also called: Severe congenital neutropenia 6, autosomal recessive. Identifiers: Orphanet 423384, MedGen C4014954, MONDO:0014456, OMIM 616022.

Allele frequency attached by ClinVar (database versions not stated): gnomAD exomes below 0.00001.
gnomAD v4.1: 1 of 1,614,186 alleles (0.000062%); highest among the groups gnomAD compares: Non-Finnish European, 0.000085%; no homozygotes.

Submission:

Labcorp Genetics (formerly Invitae), Labcorp
Classification: Uncertain significance for Autosomal recessive severe congenital neutropenia due to JAGN1 deficiency. Last evaluated: 2021-10-10. Review status: criteria provided, single submitter. Criteria: Invitae Variant Classification Sherloc (09022015). Collection method: clinical testing. Allele origin: germline.
Comment: In summary, the available evidence is currently insufficient to determine the role of this variant in disease. Therefore, it has been classified as a Variant of Uncertain Significance. Algorithms developed to predict the effect of missense changes on protein structure and function output the following: SIFT: "Tolerated"; PolyPhen-2: "Benign"; Align-GVGD: "Class C0". The tyrosine amino acid residue is found in multiple mammalian species, which suggests that this missense change does not adversely affect protein function. This variant has not been reported in the literature in individuals affected with JAGN1-related conditions. This variant is not present in population databases (ExAC no frequency). This sequence change replaces histidine with tyrosine at codon 65 of the JAGN1 protein (p.His65Tyr). The histidine residue is moderately conserved and there is a moderate physicochemical difference between histidine and tyrosine.

NM_032492.4(JAGN1):c.193C>T (p.His65Tyr)

Gene: JAGN1 (jagunal homolog 1; plus strand). Cytogenetic location: 3p25.3.
Variant type: single nucleotide variant.
Coding change: c.193C>T on transcript NM_032492.4 (MANE Select); coding-DNA position 193, C replaced by T.
Protein change: p.His65Tyr; replaces histidine 65 with tyrosine.
Molecular consequence: missense variant.
Genome position (GRCh38, 1-based): chr3:9,893,018, C>T. VCF-style: chr3-9893018-C-T. GRCh37 (hg19) VCF-style: chr3-9934702-C-T.
Other names: c.31C>T, p.His11Tyr (NM_001363890.1); short protein forms H11Y, H65Y.
Identifiers: ClinVar variation 1480459 (VCV001480459.5), dbSNP rs2125061122, ClinGen allele CA351714401.